The following is an entry in ClinVar:

NM_138281.3(DLX4):c.229G>A (p.Ala77Thr)

Gene: DLX4 (distal-less homeobox 4; plus strand). Cytogenetic location: 17q21.33.
Variant type: single nucleotide variant.
Coding change: c.229G>A on transcript NM_138281.3 (MANE Select); coding-DNA position 229, G replaced by A.
Protein change: p.Ala77Thr; replaces alanine 77 with threonine.
Molecular consequence: missense variant.
Genome position (GRCh38, 1-based): chr17:49,969,697, G>A. VCF-style: chr17-49969697-G-A. GRCh37 (hg19) VCF-style: chr17-48047061-G-A.
Other names: short protein forms A77T.
Identifiers: ClinVar variation 2390311 (VCV002390311.20), dbSNP rs747294059, ClinGen allele CA8640733.

ClinVar aggregate classification (germline): Uncertain significance. Review status: criteria provided, multiple submitters, no conflicts (2 of 4 stars). 2 submissions from 2 submitters: Uncertain significance (2). Last evaluated 2024-06-01.

Allele frequency attached by ClinVar (database versions not stated): TOPMed below 0.00001; ExAC 0.00001; gnomAD 0.00001; gnomAD exomes 0.00001.
gnomAD v4.1: 11 of 1,603,530 alleles (0.00069%); highest among the groups gnomAD compares: Non-Finnish European, 0.00085%; no homozygotes.

Submissions (2):

CeGaT Center for Human Genetics Tuebingen
Classification: Uncertain significance. Last evaluated: 2024-06-01. Review status: criteria provided, single submitter. Criteria: CeGaT Center For Human Genetics Tuebingen Variant Classification Criteria Version 2. Collection method: clinical testing. Allele origin: germline. Affected: yes. Observed: 1 variant allele.
Comment: DLX4: PM2, BP4

Ambry Genetics
Classification: Uncertain significance. Last evaluated: 2021-08-16. Review status: criteria provided, single submitter. Criteria: Ambry Variant Classification Scheme 2023. Collection method: clinical testing. Allele origin: germline.